The following is an entry in ClinVar:

ClinVar aggregate classification (germline): Uncertain significance (1 of 4 stars; one submission).

Conditions:
Disseminated atypical mycobacterial infection. Identifiers: MedGen C0694566.

Allele frequency attached by ClinVar (database versions not stated): gnomAD exomes 0.00001; TOPMed 0.00001; ExAC 0.00003.

Submission:

Labcorp Genetics (formerly Invitae), Labcorp
Classification: Uncertain significance for Disseminated atypical mycobacterial infection. Last evaluated: 2022-12-23. Review status: criteria provided, single submitter. Criteria: Invitae Variant Classification Sherloc (09022015). Collection method: clinical testing. Allele origin: germline.
Comment: This variant has not been reported in the literature in individuals affected with IFNGR1-related conditions. This variant is present in population databases (rs121912715, gnomAD 0.004%). Advanced modeling of protein sequence and biophysical properties (such as structural, functional, and spatial information, amino acid conservation, physicochemical variation, residue mobility, and thermodynamic stability) performed at Invitae indicates that this missense variant is not expected to disrupt IFNGR1 protein function. This sequence change replaces valine, which is neutral and non-polar, with alanine, which is neutral and non-polar, at codon 61 of the IFNGR1 protein (p.Val61Ala). In summary, the available evidence is currently insufficient to determine the role of this variant in disease. Therefore, it has been classified as a Variant of Uncertain Significance.

NM_000416.3(IFNGR1):c.182T>C (p.Val61Ala)

Gene: IFNGR1 (interferon gamma receptor 1; minus strand). Cytogenetic location: 6q23.3.
Variant type: single nucleotide variant.
Coding change: c.182T>C on transcript NM_000416.3 (MANE Select); coding-DNA position 182, T replaced by C.
Protein change: p.Val61Ala; replaces valine 61 with alanine.
Molecular consequence: missense variant.
Genome position (GRCh38, 1-based): chr6:137,206,981, A>G on the plus strand (T>C on the coding strand, the complement: IFNGR1 is on the minus strand). VCF-style: chr6-137206981-A-G. GRCh37 (hg19) VCF-style: chr6-137528118-A-G.
Other names: c.152T>C, p.Val51Ala (NM_001363526.1); c.59T>C, p.Val20Ala (NM_001363527.1); short protein forms V20A, V51A, V61A.
Identifiers: ClinVar variation 2721629 (VCV002721629.3), dbSNP rs121912715, ClinGen allele CA4019031.